The following is an entry in ClinVar:

NM_001042492.3(NF1):c.349A>G (p.Ile117Val)

Gene: NF1 (neurofibromin 1; plus strand). Cytogenetic location: 17q11.2.
Variant type: single nucleotide variant.
Coding change: c.349A>G on transcript NM_001042492.3 (MANE Select); coding-DNA position 349, A replaced by G.
Protein change: p.Ile117Val; replaces isoleucine 117 with valine.
Molecular consequence: missense variant.
Genome position (GRCh38, 1-based): chr17:31,163,246, A>G. VCF-style: chr17-31163246-A-G. GRCh37 (hg19) VCF-style: chr17-29490264-A-G.
Other names: c.349A>G, p.Ile117Val (NM_000267.4, NM_001128147.3); short protein forms I117V.
Identifiers: ClinVar variation 642103 (VCV000642103.5), dbSNP rs1597635759, ClinGen allele CA398981760.

ClinVar aggregate classification (germline): Uncertain significance (1 of 4 stars; one submission).

Conditions:
Neurofibromatosis, type 1 (NF1). Also called: NEUROFIBROMATOSIS, TYPE I, SOMATIC; VON RECKLINGHAUSEN DISEASE; Neurofibromatosis, type I; Peripheral type neurofibromatosis. Identifiers: Orphanet 636, MedGen C0027831, MONDO:0018975, OMIM 162200. Disease mechanism: loss of function.

Submission:

Labcorp Genetics (formerly Invitae), Labcorp
Classification: Uncertain significance for Neurofibromatosis, type 1. Last evaluated: 2023-07-24. Review status: criteria provided, single submitter. Criteria: Invitae Variant Classification Sherloc (09022015). Collection method: clinical testing. Allele origin: germline.
Comment: This variant has not been reported in the literature in individuals affected with NF1-related conditions. ClinVar contains an entry for this variant (Variation ID: 642103). Advanced modeling of protein sequence and biophysical properties (such as structural, functional, and spatial information, amino acid conservation, physicochemical variation, residue mobility, and thermodynamic stability) performed at Invitae indicates that this missense variant is expected to disrupt NF1 protein function. In summary, the available evidence is currently insufficient to determine the role of this variant in disease. Therefore, it has been classified as a Variant of Uncertain Significance. This variant is not present in population databases (gnomAD no frequency). This sequence change replaces isoleucine, which is neutral and non-polar, with valine, which is neutral and non-polar, at codon 117 of the NF1 protein (p.Ile117Val).